The following is an entry in ClinVar:

NM_177438.3(DICER1):c.3670A>C (p.Ser1224Arg)

Gene: DICER1 (dicer 1, ribonuclease III; minus strand). Cytogenetic location: 14q32.13.
Variant type: single nucleotide variant.
Coding change: c.3670A>C on transcript NM_177438.3 (MANE Select); coding-DNA position 3670, A replaced by C.
Protein change: p.Ser1224Arg; replaces serine 1224 with arginine.
Molecular consequence: missense variant.
Genome position (GRCh38, 1-based): chr14:95,103,726, T>G on the plus strand (A>C on the coding strand, the complement: DICER1 is on the minus strand). VCF-style: chr14-95103726-T-G. GRCh37 (hg19) VCF-style: chr14-95570063-T-G.
Other names: c.3670A>C, p.Ser1224Arg (NM_001195573.1, NM_001271282.3, NM_001291628.2 and 1 more transcripts); short protein forms S1224R.
Identifiers: ClinVar variation 1042838 (VCV001042838.10), dbSNP rs1891123604, ClinGen allele CA390874435.

ClinVar aggregate classification (germline): Uncertain significance (1 of 4 stars; one submission).

Conditions:
DICER1-related tumor predisposition. Also called: DICER1 syndrome; DICER1-related pleuropulmonary blastoma cancer predisposition syndrome. Identifiers: Orphanet 284343, MedGen C3839822, MONDO:0100216.

Allele frequency attached by ClinVar (database versions not stated): gnomAD exomes 0.00001.
gnomAD v4.1: 9 of 1,614,230 alleles (0.00056%); highest among the groups gnomAD compares: Non-Finnish European, 0.00076%; no homozygotes.

Submission:

Labcorp Genetics (formerly Invitae), Labcorp
Classification: Uncertain significance for DICER1-related tumor predisposition. Last evaluated: 2022-12-31. Review status: criteria provided, single submitter. Criteria: Invitae Variant Classification Sherloc (09022015). Collection method: clinical testing. Allele origin: germline.
Comment: In summary, the available evidence is currently insufficient to determine the role of this variant in disease. Therefore, it has been classified as a Variant of Uncertain Significance. Advanced modeling of protein sequence and biophysical properties (such as structural, functional, and spatial information, amino acid conservation, physicochemical variation, residue mobility, and thermodynamic stability) performed at Invitae indicates that this missense variant is not expected to disrupt DICER1 protein function. ClinVar contains an entry for this variant (Variation ID: 1042838). This variant has not been reported in the literature in individuals affected with DICER1-related conditions. This variant is not present in population databases (gnomAD no frequency). This sequence change replaces serine, which is neutral and polar, with arginine, which is basic and polar, at codon 1224 of the DICER1 protein (p.Ser1224Arg).